The following is an entry in ClinVar:

ClinVar aggregate classification (germline): Uncertain significance. Review status: criteria provided, multiple submitters, no conflicts (2 of 4 stars). 2 submissions from 2 submitters: Uncertain significance (2). Last evaluated 2023-05-08.

Conditions:
Charcot-Marie-Tooth disease axonal type 2O. Also called: CHARCOT-MARIE-TOOTH NEUROPATHY, AXONAL, TYPE 2O; CHARCOT-MARIE-TOOTH DISEASE, AXONAL, AUTOSOMAL DOMINANT, TYPE 2O; Charcot-Marie-Tooth Neuropathy Type 2O; Charcot-Marie-Tooth disease, axonal, type 20. Identifiers: Orphanet 284232, MedGen C3280220, MONDO:0013644, OMIM 614228.
Inborn genetic diseases. Identifiers: MedGen C0950123, MeSH D030342.

Submissions (2):

Labcorp Genetics (formerly Invitae), Labcorp
Classification: Uncertain significance for Charcot-Marie-Tooth disease axonal type 2O. Last evaluated: 2023-05-08. Review status: criteria provided, single submitter. Criteria: Invitae Variant Classification Sherloc (09022015). Collection method: clinical testing. Allele origin: germline.
Comment: This variant is present in population databases (no rsID available, gnomAD 0.01%). This sequence change replaces arginine, which is basic and polar, with leucine, which is neutral and non-polar, at codon 2467 of the DYNC1H1 protein (p.Arg2467Leu). This variant has not been reported in the literature in individuals affected with DYNC1H1-related conditions. In summary, the available evidence is currently insufficient to determine the role of this variant in disease. Therefore, it has been classified as a Variant of Uncertain Significance. Advanced modeling of protein sequence and biophysical properties (such as structural, functional, and spatial information, amino acid conservation, physicochemical variation, residue mobility, and thermodynamic stability) performed at Invitae indicates that this missense variant is expected to disrupt DYNC1H1 protein function. ClinVar contains an entry for this variant (Variation ID: 1758747).

Ambry Genetics
Classification: Uncertain significance for Inborn genetic diseases. Last evaluated: 2022-09-29. Review status: criteria provided, single submitter. Criteria: Ambry Variant Classification Scheme 2023. Collection method: clinical testing. Allele origin: germline.
Comment: The p.R2467L variant (also known as c.7400G>T), located in coding exon 36 of the DYNC1H1 gene, results from a G to T substitution at nucleotide position 7400. The arginine at codon 2467 is replaced by leucine, an amino acid with dissimilar properties. This amino acid position is conserved. In addition, this alteration is predicted to be deleterious by in silico analysis. Since supporting evidence is limited at this time, the clinical significance of this alteration remains unclear.

NM_001376.5(DYNC1H1):c.7400G>T (p.Arg2467Leu)

Gene: DYNC1H1 (dynein cytoplasmic 1 heavy chain 1; plus strand). Cytogenetic location: 14q32.31.
Variant type: single nucleotide variant.
Coding change: c.7400G>T on transcript NM_001376.5 (MANE Select); coding-DNA position 7400, G replaced by T.
Protein change: p.Arg2467Leu; replaces arginine 2467 with leucine.
Molecular consequence: missense variant.
Genome position (GRCh38, 1-based): chr14:102,016,013, G>T. VCF-style: chr14-102016013-G-T. GRCh37 (hg19) VCF-style: chr14-102482350-G-T.
Other names: short protein forms R2467L.
Identifiers: ClinVar variation 1758747 (VCV001758747.5), dbSNP rs1441059709, ClinGen allele CA391002045.
Genomic context (GRCh38, chr14:102,016,013, plus strand): 5'-TGGACCTAACACGCCTGCGCTGCCTGGGCTCGCTCTTCTCCATGCTGCACCAGGCCTGCC[G>T]CAACGTGGCGCAGTATAACGCCAACCATCCCGACTTCCCCATGCAGATCGAGCAGCTGGA-3'
Protein context (NP_001367.2, residues 2457-2477): SLFSMLHQAC[Arg2467Leu]NVAQYNANHP